The following is an entry in ClinVar:

NM_005526.4(HSF1):c.960C>T (p.Ser320=)

Gene: HSF1 (heat shock transcription factor 1; plus strand). Cytogenetic location: 8q24.3.
Variant type: single nucleotide variant.
Coding change: c.960C>T on transcript NM_005526.4 (MANE Select); coding-DNA position 960, C replaced by T.
Protein change: p.Ser320=; no amino-acid change (serine 320 retained).
Molecular consequence: synonymous variant.
Genome position (GRCh38, 1-based): chr8:144,312,062, C>T. VCF-style: chr8-144312062-C-T. GRCh37 (hg19) VCF-style: chr8-145535748-C-T.
Identifiers: ClinVar variation 2658978 (VCV002658978.24), dbSNP rs143898779, ClinGen allele CA4936134.

ClinVar aggregate classification (germline): Likely benign (1 of 4 stars; one submission).

Allele frequency attached by ClinVar (database versions not stated): 1000 Genomes Project 30x 0.00016; TOPMed 0.00016; 1000 Genomes Project 0.00020; gnomAD 0.00021; ESP Exome Variant Server 0.00023; ExAC 0.00036.

Submission:

CeGaT Center for Human Genetics Tuebingen
Classification: Likely benign. Last evaluated: 2022-04-01. Review status: criteria provided, single submitter. Criteria: CeGaT Center For Human Genetics Tuebingen Variant Classification Criteria Version 2. Collection method: clinical testing. Allele origin: germline. Affected: yes. Observed: 1 variant allele.
Comment: HSF1: BP4, BP7